The following is an entry in ClinVar:

NM_000341.4(SLC3A1):c.1326C>T (p.Asn442=)

Gene: SLC3A1 (solute carrier family 3 member 1; plus strand). Cytogenetic location: 2p21.
Variant type: single nucleotide variant.
Coding change: c.1326C>T on transcript NM_000341.4 (MANE Select); coding-DNA position 1326, C replaced by T.
Protein change: p.Asn442=; no amino-acid change (asparagine 442 retained).
Molecular consequence: synonymous variant.
Genome position (GRCh38, 1-based): chr2:44,304,332, C>T. VCF-style: chr2-44304332-C-T. GRCh37 (hg19) VCF-style: chr2-44531471-C-T.
Other names: c.1326C>T (NM_000341.3).
Identifiers: ClinVar variation 1539990 (VCV001539990.10), dbSNP rs368554884, ClinGen allele CA1640518.

ClinVar aggregate classification (germline): Likely benign. Review status: criteria provided, multiple submitters, no conflicts (2 of 4 stars). 3 submissions from 3 submitters: Likely benign (3). Last evaluated 2024-12-12.

Conditions:
SLC3A1-related disorder. Also called: SLC3A1-related condition.
Cystinuria (CSNU). Also called: CYSTINURIA, TYPE I; CYSTINURIA, TYPE II; CYSTINURIA, TYPE III; Cystinuria, non-type I. Identifiers: Orphanet 214, MedGen C0010691, MONDO:0009067, OMIM 220100, HP:0003131.

Allele frequency attached by ClinVar (database versions not stated): gnomAD 0.00001; ExAC 0.00002; gnomAD exomes 0.00002; TOPMed 0.00002; ESP Exome Variant Server 0.00008.
gnomAD v4.1: 26 of 1,613,116 alleles (0.0016%); highest among the groups gnomAD compares: Non-Finnish European, 0.0022%; no homozygotes.

Submissions (3):

PreventionGenetics, part of Exact Sciences
Classification: Likely benign for SLC3A1-related condition. Last evaluated: 2024-12-12. Review status: criteria provided, single submitter. Criteria: ACMG Guidelines, 2015. Collection method: clinical testing. Allele origin: germline.
Comment: This variant is classified as likely benign based on ACMG/AMP sequence variant interpretation guidelines (Richards et al. 2015 PMID: 25741868, with internal and published modifications).

Fulgent Genetics
Classification: Likely benign for Cystinuria. Last evaluated: 2022-02-03. Review status: criteria provided, single submitter. Criteria: ACMG Guidelines, 2015. Collection method: clinical testing. Allele origin: unknown.

Labcorp Genetics (formerly Invitae), Labcorp
Classification: Likely benign for Cystinuria. Last evaluated: 2021-03-24. Review status: criteria provided, single submitter. Criteria: Invitae Variant Classification Sherloc (09022015). Collection method: clinical testing. Allele origin: germline.